The following is an entry in ClinVar:

NM_014714.4(IFT140):c.2273C>T (p.Pro758Leu)

Gene: IFT140 (intraflagellar transport 140; minus strand). Cytogenetic location: 16p13.3.
Variant type: single nucleotide variant.
Coding change: c.2273C>T on transcript NM_014714.4 (MANE Select); coding-DNA position 2273, C replaced by T.
Protein change: p.Pro758Leu; replaces proline 758 with leucine.
Molecular consequence: missense variant.
Genome position (GRCh38, 1-based): chr16:1,558,061, G>A on the plus strand (C>T on the coding strand, the complement: IFT140 is on the minus strand). VCF-style: chr16-1558061-G-A. GRCh37 (hg19) VCF-style: chr16-1608062-G-A.
Other names: short protein forms P758L.
Identifiers: ClinVar variation 1919337 (VCV001919337.5), dbSNP rs2507090933, ClinGen allele CA394200827.

ClinVar aggregate classification (germline): Uncertain significance (1 of 4 stars; one submission).

Conditions:
Saldino-Mainzer syndrome (SRTD9). Also called: Renal dysplasia, retinal pigmentary dystrophy, cerebellar ataxia and skeletal dysplasia; CONORENAL SYNDROME; short-rib thoracic dysplasia 9 with or without polydactyly; SHORT-RIB THORACIC DYSPLASIA 9 WITHOUT POLYDACTYLY. Identifiers: Orphanet 140969, MedGen C1849437, MONDO:0009964, OMIM 266920.

Submission:

Labcorp Genetics (formerly Invitae), Labcorp
Classification: Uncertain significance for Saldino-Mainzer syndrome. Last evaluated: 2022-04-30. Review status: criteria provided, single submitter. Criteria: Invitae Variant Classification Sherloc (09022015). Collection method: clinical testing. Allele origin: germline.
Comment: In summary, the available evidence is currently insufficient to determine the role of this variant in disease. Therefore, it has been classified as a Variant of Uncertain Significance. This sequence change replaces proline, which is neutral and non-polar, with leucine, which is neutral and non-polar, at codon 758 of the IFT140 protein (p.Pro758Leu). This variant is not present in population databases (gnomAD no frequency). This variant has not been reported in the literature in individuals affected with IFT140-related conditions. Algorithms developed to predict the effect of missense changes on protein structure and function are either unavailable or do not agree on the potential impact of this missense change (SIFT: "Tolerated"; PolyPhen-2: "Possibly Damaging"; Align-GVGD: "Class C0").